The following is an entry in ClinVar:

ClinVar aggregate classification (germline): Uncertain significance. Review status: criteria provided, multiple submitters, no conflicts (2 of 4 stars). 2 submissions from 2 submitters: Uncertain significance (2). Last evaluated 2024-08-02.

Allele frequency attached by ClinVar (database versions not stated): gnomAD exomes 0.00002.
gnomAD v4.1: 17 of 1,211,077 alleles (0.0014%); highest among the groups gnomAD compares: Non-Finnish European, 0.0018%; no homozygotes.

Submissions (2):

Labcorp Genetics (formerly Invitae), Labcorp
Classification: Uncertain significance. Last evaluated: 2024-08-02. Review status: criteria provided, single submitter. Criteria: Invitae Variant Classification Sherloc (09022015). Collection method: clinical testing. Allele origin: germline.
Comment: This sequence change replaces glycine, which is neutral and non-polar, with serine, which is neutral and polar, at codon 211 of the PORCN protein (p.Gly211Ser). This variant is not present in population databases (gnomAD no frequency). This variant has not been reported in the literature in individuals affected with PORCN-related conditions. ClinVar contains an entry for this variant (Variation ID: 1313841). Advanced modeling of protein sequence and biophysical properties (such as structural, functional, and spatial information, amino acid conservation, physicochemical variation, residue mobility, and thermodynamic stability) performed at Invitae indicates that this missense variant is not expected to disrupt PORCN protein function with a negative predictive value of 80%. In summary, the available evidence is currently insufficient to determine the role of this variant in disease. Therefore, it has been classified as a Variant of Uncertain Significance.

GeneDx
Classification: Uncertain significance. Last evaluated: 2021-01-06. Review status: criteria provided, single submitter. Criteria: GeneDx Variant Classification Process June 2021. Collection method: clinical testing. Allele origin: germline. Affected: yes.
Comment: Not observed in large population cohorts (Lek et al., 2016); In silico analysis supports that this missense variant does not alter protein structure/function; Has not been previously published as pathogenic or benign to our knowledge

NM_203475.3(PORCN):c.631G>A (p.Gly211Ser)

Gene: PORCN (porcupine O-acyltransferase; plus strand). Cytogenetic location: Xp11.23.
Variant type: single nucleotide variant.
Coding change: c.631G>A on transcript NM_203475.3 (MANE Select); coding-DNA position 631, G replaced by A.
Protein change: p.Gly211Ser; replaces glycine 211 with serine.
Molecular consequence: missense variant.
Genome position (GRCh38, 1-based): chrX:48,512,664, G>A. VCF-style: chrX-48512664-G-A. GRCh37 (hg19) VCF-style: chrX-48371052-G-A.
Other names: c.418G>A, p.Gly140Ser (NM_001282167.2); c.631G>A, p.Gly211Ser (NM_022825.4, NM_203473.3, NM_203474.1); short protein forms G140S, G211S.
Identifiers: ClinVar variation 1313841 (VCV001313841.4), dbSNP rs2147124342, ClinGen allele CA412845158.